The following is an entry in ClinVar:

ClinVar aggregate classification (germline): Uncertain significance. Review status: criteria provided, multiple submitters, no conflicts (2 of 4 stars). 2 submissions from 2 submitters: Uncertain significance (2). Last evaluated 2024-05-23.

Conditions:
Inborn genetic diseases. Identifiers: MedGen C0950123, MeSH D030342.

Submissions (2):

Labcorp Genetics (formerly Invitae), Labcorp
Classification: Uncertain significance. Last evaluated: 2024-05-23. Review status: criteria provided, single submitter. Criteria: Invitae Variant Classification Sherloc (09022015). Collection method: clinical testing. Allele origin: germline.
Comment: This sequence change replaces serine, which is neutral and polar, with arginine, which is basic and polar, at codon 47 of the MPLKIP protein (p.Ser47Arg). This variant is not present in population databases (gnomAD no frequency). This variant has not been reported in the literature in individuals affected with MPLKIP-related conditions. ClinVar contains an entry for this variant (Variation ID: 1054270). An algorithm developed to predict the effect of missense changes on protein structure and function (PolyPhen-2) suggests that this variant is likely to be tolerated. In summary, the available evidence is currently insufficient to determine the role of this variant in disease. Therefore, it has been classified as a Variant of Uncertain Significance.

Ambry Genetics
Classification: Uncertain significance for Inborn genetic diseases. Last evaluated: 2023-02-01. Review status: criteria provided, single submitter. Criteria: Ambry Variant Classification Scheme 2023. Collection method: clinical testing. Allele origin: germline.

NM_138701.4(MPLKIP):c.141T>G (p.Ser47Arg)

Gene: MPLKIP (M-phase specific PLK1 interacting protein; minus strand). Cytogenetic location: 7p14.1.
Variant type: single nucleotide variant.
Coding change: c.141T>G on transcript NM_138701.4 (MANE Select); coding-DNA position 141, T replaced by G.
Protein change: p.Ser47Arg; replaces serine 47 with arginine.
Molecular consequence: missense variant.
Genome position (GRCh38, 1-based): chr7:40,134,427, A>C on the plus strand (T>G on the coding strand, the complement: MPLKIP is on the minus strand). VCF-style: chr7-40134427-A-C. GRCh37 (hg19) VCF-style: chr7-40174026-A-C.
Other names: c.141T>G (NM_138701.3); short protein forms S47R.
Identifiers: ClinVar variation 1054270 (VCV001054270.10), dbSNP rs950261801, ClinGen allele CA367308534.